The following is an entry in ClinVar:

ClinVar aggregate classification (germline): Pathogenic (1 of 4 stars; one submission).

Conditions:
Phenylketonuria (PKU). Also called: Phenylketonurias; FOLLING DISEASE; OLIGOPHRENIA PHENYLPYRUVICA; Phenylketonuria (PKU). Identifiers: Orphanet 716, MedGen C0031485, MONDO:0009861, OMIM 261600. Disease mechanism: loss of function.

Submission:

Labcorp Genetics (formerly Invitae), Labcorp
Classification: Pathogenic for Phenylketonuria. Last evaluated: 2023-12-26. Review status: criteria provided, single submitter. Criteria: Invitae Variant Classification Sherloc (09022015). Collection method: clinical testing. Allele origin: germline.
Comment: This variant, c.809_820del, results in the deletion of 4 amino acid(s) of the PAH protein (p.Arg270_Ser273del), but otherwise preserves the integrity of the reading frame. This variant is not present in population databases (gnomAD no frequency). This variant has not been reported in the literature in individuals affected with PAH-related conditions. This variant disrupts a region of the PAH protein in which other variant(s) (p.Ser273) have been determined to be pathogenic (PMID: 24368688; Invitae). This suggests that this is a clinically significant region of the protein, and that variants that disrupt it are likely to be disease-causing. For these reasons, this variant has been classified as Pathogenic.

Literature cited by the submitters: PubMed 24368688.

NM_000277.3(PAH):c.809_820del (p.Arg270_Ser273del)

Gene: PAH (phenylalanine hydroxylase; minus strand). Cytogenetic location: 12q23.2.
Variant type: Deletion.
Coding change: c.809_820del on transcript NM_000277.3 (MANE Select); coding-DNA positions 809 to 820, 12 bases deleted (GACATGGATCCA).
Protein change: p.Arg270_Ser273del.
Molecular consequence: inframe deletion.
Genome position (GRCh38, 1-based): chr12:102,852,837-102,852,848, TGGATCCATGTC deleted on the plus strand (GACATGGATCCA on the coding strand, the reverse complement: PAH is on the minus strand); deleting any 12 consecutive bases within chr12:102,852,837-102,852,850 gives the same sequence; the c. name uses the placement nearest the transcript's 3' end. VCF-style (leftmost placement, unchanged base first): chr12-102852836-TTGGATCCATGTC-T. GRCh37 (hg19) VCF-style: chr12-103246614-TTGGATCCATGTC-T.
Other names: c.809_820del, p.Arg270_Ser273del (NM_001354304.2).
Identifiers: ClinVar variation 2705711 (VCV002705711.3), dbSNP rs2499623150, ClinGen allele CA2697551513.